The following is an entry in ClinVar:

NM_000404.4(GLB1):c.395T>C (p.Met132Thr)

Gene: GLB1 (galactosidase beta 1; minus strand). Cytogenetic location: 3p22.3.
Variant type: single nucleotide variant.
Coding change: c.395T>C on transcript NM_000404.4 (MANE Select); coding-DNA position 395, T replaced by C.
Protein change: p.Met132Thr; replaces methionine 132 with threonine.
Molecular consequence: missense variant. On other transcripts: intron variant (1).
Genome position (GRCh38, 1-based): chr3:33,068,821, A>G on the plus strand (T>C on the coding strand, the complement: GLB1 is on the minus strand). VCF-style: chr3-33068821-A-G. GRCh37 (hg19) VCF-style: chr3-33110313-A-G.
Other names: c.305T>C, p.Met102Thr (NM_001079811.3); c.539T>C, p.Met180Thr (NM_001317040.2); c.395T>C, p.Met132Thr (NM_001393580.1); c.246-3264T>C (NM_001135602.3); short protein forms M132T, M102T, M180T.
Identifiers: ClinVar variation 556862 (VCV000556862.4), dbSNP rs1553612189, ClinGen allele CA351994450.

ClinVar aggregate classification (germline): Pathogenic/Likely pathogenic. Review status: criteria provided, multiple submitters, no conflicts (2 of 4 stars). 3 submissions from 3 submitters: Pathogenic (1); Likely pathogenic (1). 1 of the submissions does not count toward it. Last evaluated 2022-05-04.

Conditions:
GM1 gangliosidosis type 3. Also called: GANGLIOSIDOSIS, GENERALIZED GM1, ADULT TYPE; GANGLIOSIDOSIS, GENERALIZED GM1, CHRONIC TYPE; GANGLIOSIDOSIS, GENERALIZED GM1, TYPE III; GM1-GANGLIOSIDOSIS, TYPE III; Beta-galactosidase deficiency; Adult GM1 gangliosidosis. Identifiers: Orphanet 79257, MedGen C0268273, MONDO:0009262, OMIM 230650.
GM1 gangliosidosis type 2. Also called: GANGLIOSIDOSIS, GENERALIZED GM1, JUVENILE TYPE; GANGLIOSIDOSIS, GENERALIZED GM1, TYPE II; GM1-GANGLIOSIDOSIS, TYPE II; Juvenile GM>1< gangliosidosis; Gangliosidosis, Generalized GM1, Type 2. Identifiers: Orphanet 354, Orphanet 79256, MedGen C0268272, MONDO:0009261, OMIM 230600.
Infantile GM1 gangliosidosis. Also called: GM1 gangliosidosis type 1; GM1-gangliosidosis, type I; Gangliosidosis, generalized GM1, infantile form; GLB1 deficiency; Gangliosidosis, Generalized GM1, Type 1. Identifiers: Orphanet 354, Orphanet 79255, MedGen C0268271, MONDO:0009260, OMIM 230500.
Mucopolysaccharidosis, MPS-IV-B (MPS4B). Also called: Mucopolysaccharidosis type 4B; Mucopolysaccharidosis Type IVB (Morquio B Disease); MORQUIO SYNDROME B; Mucopolysaccharidosis type IVB (Morquio); MPS IVB; Mucopolysaccharidosis type IV B. Identifiers: Orphanet 309310, Orphanet 582, MedGen C0086652, MONDO:0009660, OMIM 253010.

Submissions (3):

Mendelics
Classification: Pathogenic for Infantile GM1 gangliosidosis. Last evaluated: 2022-05-04. Review status: criteria provided, single submitter. Criteria: Mendelics Assertion Criteria 2019. Collection method: clinical testing. Allele origin: germline.

Women's Health and Genetics/Laboratory Corporation of America, LabCorp
Classification: Likely pathogenic for Mucopolysaccharidosis, MPS-IV-B. Last evaluated: 2021-09-03. Review status: criteria provided, single submitter. Criteria: LabCorp Variant Classification Summary - May 2015. Collection method: clinical testing. Allele origin: germline.
Comment: Variant summary: GLB1 c.395T>C (p.Met132Thr) results in a non-conservative amino acid change located in the Glycoside hydrolase 35, catalytic domain (IPR031330) of the encoded protein sequence. Four of five in-silico tools predict a damaging effect of the variant on protein function. The variant was absent in 249434 control chromosomes. c.395T>C has been reported in the literature as a compound heterozygous genotype in at-least one individual affected with infantile onset Mucopolysaccharidosis Type IVB (Morquio Syndrome B) (example, Hofer_2009). These data do not allow any conclusion about variant significance. At least one publication reports experimental evidence evaluating an impact on protein function. The most pronounced variant effect results in 4.3% of normal beta galactosidase enzyme activity in transiently transfected COS-1 cells (Hofer_2009). One clinical diagnostic laboratory has submitted clinical-significance assessments for this variant to ClinVar after 2014 without evidence for independent evaluation and classified the variant as uncertain significance citing overlapping evidence utilized in the context of this evaluation. Based on the evidence outlined above (ACMG PS3, PM2, PM3), the variant was classified as likely pathogenic.

Counsyl
Classification: Uncertain significance for Infantile GM1 gangliosidosis; GM1 gangliosidosis type 2; GM1 gangliosidosis type 3; Mucopolysaccharidosis, MPS-IV-B. Last evaluated: 2018-02-21. Review status: no assertion criteria provided. Collection method: clinical testing. Allele origin: unknown. Not counted in ClinVar's aggregate classification.

Literature cited by the submitters: PubMed 19472408 (cited by Women's Health and Genetics/Laboratory Corporation of America, LabCorp and Counsyl).